The following is an entry in ClinVar:

NM_001024630.4(RUNX2):c.581-2A>C

Gene: RUNX2 (RUNX family transcription factor 2; plus strand). Cytogenetic location: 6p21.1.
Variant type: single nucleotide variant.
Coding change: c.581-2A>C on transcript NM_001024630.4 (MANE Select); the canonical splice acceptor site of the intron before coding-DNA position 581, A replaced by C.
Molecular consequence: splice acceptor variant.
Genome position (GRCh38, 1-based): chr6:45,437,945, A>C. VCF-style: chr6-45437945-A-C. GRCh37 (hg19) VCF-style: chr6-45405682-A-C.
Other names: c.581-2A>C (NM_001015051.4); c.539-2A>C (NM_001369405.1, NM_001278478.2).
Identifiers: ClinVar variation 3654819 (VCV003654819.2).

ClinVar aggregate classification (germline): Likely pathogenic (1 of 4 stars; one submission).

Submission:

Labcorp Genetics (formerly Invitae), Labcorp
Classification: Likely pathogenic. Last evaluated: 2024-05-27. Review status: criteria provided, single submitter. Criteria: Invitae Variant Classification Sherloc (09022015). Collection method: clinical testing. Allele origin: germline.
Comment: This sequence change affects an acceptor splice site in intron 4 of the RUNX2 gene. It is expected to disrupt RNA splicing. Variants that disrupt the donor or acceptor splice site typically lead to a loss of protein function (PMID: 16199547), and loss-of-function variants in RUNX2 are known to be pathogenic (PMID: 10521292, 11857736). This variant is not present in population databases (gnomAD no frequency). Disruption of this splice site has been observed in individual(s) with clinical features of cleidocranial dysplasia (Invitae). Algorithms developed to predict the effect of sequence changes on RNA splicing suggest that this variant may disrupt the consensus splice site. In summary, the currently available evidence indicates that the variant is pathogenic, but additional data are needed to prove that conclusively. Therefore, this variant has been classified as Likely Pathogenic.

Literature cited by the submitters: PubMed 16199547; PubMed 10521292; PubMed 11857736.